The following is an entry in ClinVar:

NM_001267550.2(TTN):c.106919T>G (p.Leu35640Arg)

Genes: TTN (titin; minus strand), TTN-AS1 (TTN antisense RNA 1; plus strand). Cytogenetic location: 2q31.2.
Variant type: single nucleotide variant.
Coding change: c.106919T>G on transcript NM_001267550.2 (MANE Select); coding-DNA position 106919, T replaced by G.
Protein change: p.Leu35640Arg; replaces leucine 35640 with arginine.
Molecular consequence: missense variant.
Genome position (GRCh38, 1-based): chr2:178,528,832, A>C on the plus strand (T>G on the coding strand, the complement: TTN is on the minus strand). VCF-style: chr2-178528832-A-C. GRCh37 (hg19) VCF-style: chr2-179393559-A-C.
Other names: c.101996T>G, p.Leu33999Arg (NM_001256850.1); c.79724T>G, p.Leu26575Arg (NM_003319.4); c.99215T>G, p.Leu33072Arg (NM_133378.4); c.80099T>G, p.Leu26700Arg (NM_133432.3); c.80300T>G, p.Leu26767Arg (NM_133437.4); short protein forms L26575R, L26700R, L26767R, L33072R, L33999R, L35640R.
Identifiers: ClinVar variation 3763696 (VCV003763696.2).

ClinVar aggregate classification (germline): Uncertain significance (1 of 4 stars; one submission).

Conditions:
Autosomal recessive limb-girdle muscular dystrophy type 2J (LGMDR10). Also called: Limb-girdle muscular dystrophy, type 2J; MUSCULAR DYSTROPHY, LIMB-GIRDLE, AUTOSOMAL RECESSIVE 10. Identifiers: Orphanet 140922, MedGen C1837342, MONDO:0012127, OMIM 608807.
Dilated cardiomyopathy 1G (CMD1G). Identifiers: Orphanet 154, MedGen C1858763, MONDO:0011400, OMIM 604145.

gnomAD v4.1: 4 of 1,613,976 alleles (0.00025%); highest among the groups gnomAD compares: South Asian, 0.0044%; no homozygotes.

Submission:

Labcorp Genetics (formerly Invitae), Labcorp
Classification: Uncertain significance for Dilated cardiomyopathy 1G; Autosomal recessive limb-girdle muscular dystrophy type 2J. Last evaluated: 2024-04-09. Review status: criteria provided, single submitter. Criteria: Invitae Variant Classification Sherloc (09022015). Collection method: clinical testing. Allele origin: germline.
Comment: This sequence change replaces leucine, which is neutral and non-polar, with arginine, which is basic and polar, at codon 35640 of the TTN protein (p.Leu35640Arg). This variant is present in population databases (rs750550267, gnomAD 0.01%). This variant has not been reported in the literature in individuals affected with TTN-related conditions. Experimental studies and prediction algorithms are not available or were not evaluated, and the functional significance of this variant is currently unknown. This variant is located in the M band of TTN (PMID: 25589632). Non-truncating variants in this region may be relevant for neuromuscular disorders, but have not been definitively shown to cause cardiomyopathy (PMID: 23975875). In summary, the available evidence is currently insufficient to determine the role of this variant in disease. Therefore, it has been classified as a Variant of Uncertain Significance.

Literature cited by the submitters: PubMed 25589632; PubMed 23975875.